The following is an entry in ClinVar:

ClinVar aggregate classification (germline): Conflicting classifications of pathogenicity. Review status: criteria provided, conflicting classifications (1 of 4 stars). 4 submissions from 4 submitters: Uncertain significance (3); Likely benign (1). Last evaluated 2025-12-22.

Conditions:
Cardiovascular phenotype. Identifiers: MedGen CN230736.
Cardiomyopathy, familial hypertrophic 27. Identifiers: MedGen C4748014, MONDO:0054838, OMIM 618052.

Allele frequency attached by ClinVar (database versions not stated): ExAC 0.00004; ESP Exome Variant Server 0.00008; TOPMed 0.00010; gnomAD 0.00011 and 0.00013; 1000 Genomes Project 30x 0.00016; 1000 Genomes Project 0.00020.
gnomAD v4.1: 26 of 1,614,066 alleles (0.0016%); highest among the groups gnomAD compares: African/African-American, 0.033%; no homozygotes.

Submissions (4):

Labcorp Genetics (formerly Invitae), Labcorp
Classification: Uncertain significance. Last evaluated: 2025-12-22. Review status: criteria provided, single submitter. Criteria: Invitae Variant Classification Sherloc (09022015). Collection method: clinical testing. Allele origin: germline.
Comment: This sequence change replaces valine, which is neutral and non-polar, with leucine, which is neutral and non-polar, at codon 1663 of the ALPK3 protein (p.Val1663Leu). This variant is present in population databases (rs143835594, gnomAD 0.05%). This variant has not been reported in the literature in individuals affected with ALPK3-related conditions. ClinVar contains an entry for this variant (Variation ID: 1359438). Invitae Evidence Modeling of protein sequence and biophysical properties (such as structural, functional, and spatial information, amino acid conservation, physicochemical variation, residue mobility, and thermodynamic stability) indicates that this missense variant is not expected to disrupt ALPK3 protein function with a negative predictive value of 80%. In summary, the available evidence is currently insufficient to determine the role of this variant in disease. Therefore, it has been classified as a Variant of Uncertain Significance.

ARUP Laboratories, Molecular Genetics and Genomics, ARUP Laboratories
Classification: Uncertain significance for Cardiomyopathy, familial hypertrophic 27. Last evaluated: 2024-10-17. Review status: criteria provided, single submitter. Criteria: ARUP Molecular Germline Variant Investigation Process 2024. Collection method: clinical testing. Allele origin: germline.
Comment: The ALPK3 c.4381G>C; p.Val1461Leu variant (rs143835594), to our knowledge, is not reported in the medical literature but is reported in ClinVar (Variation ID: 1359438). This variant is found in the African population with an allele frequency of 0.05% (13/24,956 alleles) in the Genome Aggregation Database (v2.1.1). Computational analyses predict that this variant is neutral (REVEL: 0.017). Due to limited information, the clinical significance of this variant is uncertain at this time.

GeneDx
Classification: Uncertain significance. Last evaluated: 2024-08-02. Review status: criteria provided, single submitter. Criteria: GeneDx Variant Classification Process June 2021. Collection method: clinical testing. Allele origin: germline.
Comment: Has not been previously published as pathogenic or benign to our knowledge; In silico analysis indicates that this missense variant does not alter protein structure/function

Ambry Genetics
Classification: Likely benign for Cardiovascular phenotype. Last evaluated: 2023-07-13. Review status: criteria provided, single submitter. Criteria: Ambry Variant Classification Scheme 2023. Collection method: clinical testing. Allele origin: germline.

NM_020778.5(ALPK3):c.4381G>C (p.Val1461Leu)

Gene: ALPK3 (alpha kinase 3; plus strand). Cytogenetic location: 15q25.3.
Variant type: single nucleotide variant.
Coding change: c.4381G>C on transcript NM_020778.5 (MANE Select); coding-DNA position 4381, G replaced by C.
Protein change: p.Val1461Leu; replaces valine 1461 with leucine.
Molecular consequence: missense variant.
Genome position (GRCh38, 1-based): chr15:84,862,886, G>C. VCF-style: chr15-84862886-G-C. GRCh37 (hg19) VCF-style: chr15-85406117-G-C.
Other names: c.4987G>C (NM_020778.4); short protein forms V1461L.
Identifiers: ClinVar variation 1359438 (VCV001359438.14), dbSNP rs143835594, ClinGen allele CA7709940.